The following is an entry in ClinVar:

ClinVar aggregate classification (germline): Uncertain significance (1 of 4 stars; one submission).

Conditions:
Fanconi anemia (FA). Also called: Fanconi's anemia. Identifiers: Orphanet 84, MedGen C0015625, MeSH D005199, MONDO:0019391.

Submission:

Labcorp Genetics (formerly Invitae), Labcorp
Classification: Uncertain significance for Fanconi anemia. Last evaluated: 2016-05-04. Review status: criteria provided, single submitter. Criteria: Invitae Variant Classification Sherloc (09022015). Collection method: clinical testing. Allele origin: germline.
Comment: A gross duplication of the genomic region encompassing the full coding sequence of the FANCF gene has been identified. The boundaries of this event are unknown as the duplication extends beyond the assayed region for this gene and therefore may encompass additional genes. As the precise location of this duplication is unknown, it may be in tandem or it may be located elsewhere in the genome. Duplications of the entire sequence of the FANCF gene have not been reported in the literature. In summary, this is a novel duplication of the FANCF gene of unknown clinical relevance. It has been classified as a Variant of Uncertain Significance

NC_000011.9:g.(?_22646226)_(22647362_?)dup

Gene: FANCF (FA complementation group F; minus strand). Cytogenetic location: 11p14.3.
Variant type: Duplication.
Identifiers: ClinVar variation 1037859 (VCV001037859.1).